The following is an entry in ClinVar:

ClinVar aggregate classification (germline): Likely benign. Review status: criteria provided, multiple submitters, no conflicts (2 of 4 stars). 3 submissions from 3 submitters: Likely benign (3). Last evaluated 2025-12-06.

Conditions:
CFTR-related disorder (CFTR-RD). Also called: CFTR-related condition; CFTR-related disorders. Identifiers: MedGen C5924204, MONDO:7770004.
Cystic fibrosis (CF). Also called: MUCOVISCIDOSIS. Identifiers: Orphanet 586, MedGen C0010674, MONDO:0009061, OMIM 219700. Disease mechanism: loss of function.

Allele frequency attached by ClinVar (database versions not stated): gnomAD exomes 0.00002; ExAC 0.00003; gnomAD 0.00003; TOPMed 0.00004.
gnomAD v4.1: 36 of 1,612,710 alleles (0.0022%); highest among the groups gnomAD compares: Non-Finnish European, 0.0031%; no homozygotes.

Submissions (3):

Labcorp Genetics (formerly Invitae), Labcorp
Classification: Likely benign for Cystic fibrosis. Last evaluated: 2025-12-06. Review status: criteria provided, single submitter. Criteria: Invitae Variant Classification Sherloc (09022015). Collection method: clinical testing. Allele origin: germline.

PreventionGenetics, part of Exact Sciences
Classification: Likely benign for CFTR-related condition. Last evaluated: 2025-01-24. Review status: criteria provided, single submitter. Criteria: ACMG Guidelines, 2015. Collection method: clinical testing. Allele origin: germline.
Comment: This variant is classified as likely benign based on ACMG/AMP sequence variant interpretation guidelines (Richards et al. 2015 PMID: 25741868, with internal and published modifications).

Ambry Genetics
Classification: Likely benign for Cystic fibrosis. Last evaluated: 2024-06-04. Review status: criteria provided, single submitter. Criteria: Ambry Variant Classification Scheme 2023. Collection method: clinical testing. Allele origin: germline.

NM_000492.4(CFTR):c.2908+15C>G

Gene: CFTR (CF transmembrane conductance regulator; plus strand). Cytogenetic location: 7q31.2.
Variant type: single nucleotide variant.
Coding change: c.2908+15C>G on transcript NM_000492.4 (MANE Select); 15 bases into the intron after coding-DNA position 2908, C replaced by G.
Molecular consequence: intron variant.
Genome position (GRCh38, 1-based): chr7:117,603,797, C>G. VCF-style: chr7-117603797-C-G. GRCh37 (hg19) VCF-style: chr7-117243851-C-G.
Other names: c.2908+15C>G (NM_000492.3).
Identifiers: ClinVar variation 1371478 (VCV001371478.8), dbSNP rs766686188, ClinGen allele CA4451313.